The following is an entry in ClinVar:

NM_000465.4(BARD1):c.2301G>A (p.Val767=)

Gene: BARD1 (BRCA1 associated RING domain 1; minus strand). Cytogenetic location: 2q35.
Variant type: single nucleotide variant.
Coding change: c.2301G>A on transcript NM_000465.4 (MANE Select); coding-DNA position 2301, G replaced by A.
Protein change: p.Val767=; no amino-acid change (valine 767 retained).
Molecular consequence: synonymous variant. On other transcripts: non-coding transcript variant (3).
Genome position (GRCh38, 1-based): chr2:214,728,709, C>T on the plus strand (G>A on the coding strand, the complement: BARD1 is on the minus strand). VCF-style: chr2-214728709-C-T. GRCh37 (hg19) VCF-style: chr2-215593433-C-T.
Other names: c.2301G>A (NM_000465.2); c.2244G>A, p.Val748= (NM_001282543.2); c.948G>A, p.Val316= (NM_001282545.2); c.891G>A, p.Val297= (NM_001282548.2); c.762G>A, p.Val254= (NM_001282549.2).
Identifiers: ClinVar variation 1331809 (VCV001331809.8), dbSNP rs2105986191, ClinGen allele CA431392485.
Genomic context (GRCh38, chr2:214,728,709, plus strand): 5'-ATTTGAAATGTTCATCTGGTATAATATTCAGCTGTCAAGAGGAAGCAACTCAAAGGACAT[C>T]ACACAGTCTATAAACCAGCTCGAAGGAGCCTTCCAGACTTTGCCCTGCCGAACCCTCTCT-3'
Protein context (NP_000456.2, residues 757-777): KAPSSWFIDC[Val767=]MSFELLPLDS

ClinVar aggregate classification (germline): Benign/Likely benign. Review status: criteria provided, multiple submitters, no conflicts (2 of 4 stars). 4 submissions from 4 submitters: Benign (1); Likely benign (3). Last evaluated 2024-07-30.

Conditions:
Hereditary cancer-predisposing syndrome. Also called: Tumor predisposition; Hereditary Cancer Syndrome; Neoplastic Syndromes, Hereditary; Hereditary neoplastic syndrome. Identifiers: Orphanet 140162, MedGen C0027672, MeSH D009386, MONDO:0015356.
Familial cancer of breast. Also called: BREAST CANCER, FAMILIAL; hereditary breast carcinoma; Hereditary breast cancer. Identifiers: Orphanet 227535, MedGen C0346153, MONDO:0016419, OMIM 114480. Disease mechanism: loss of function.

Allele frequency attached by ClinVar (database versions not stated): gnomAD exomes below 0.00001.
gnomAD v4.1: 2 of 1,614,086 alleles (0.00012%); highest among the groups gnomAD compares: East Asian, 0.0022%; no homozygotes.

Submissions (4):

Myriad Genetics, Inc.
Classification: Benign for Familial cancer of breast. Last evaluated: 2024-07-30. Review status: criteria provided, single submitter. Criteria: Myriad Autosomal Dominant, Autosomal Recessive and X-Linked Classification Criteria (2023). Collection method: clinical testing. Allele origin: unknown.
Comment: This variant is considered benign. This variant is a silent/synonymous amino acid change and it is not expected to impact splicing.

Labcorp Genetics (formerly Invitae), Labcorp
Classification: Likely benign for Familial cancer of breast. Last evaluated: 2023-10-31. Review status: criteria provided, single submitter. Criteria: Invitae Variant Classification Sherloc (09022015). Collection method: clinical testing. Allele origin: germline.

Ambry Genetics
Classification: Likely benign for Hereditary cancer-predisposing syndrome. Last evaluated: 2022-06-10. Review status: criteria provided, single submitter. Criteria: Ambry Variant Classification Scheme 2023. Collection method: clinical testing. Allele origin: germline.

Color Diagnostics, LLC DBA Color Health
Classification: Likely benign for Hereditary cancer-predisposing syndrome. Last evaluated: 2021-03-15. Review status: criteria provided, single submitter. Criteria: ACMG Guidelines, 2015. Collection method: clinical testing. Allele origin: germline.